The following is an entry in ClinVar:

NM_000433.4(NCF2):c.366+3A>T

Gene: NCF2 (neutrophil cytosolic factor 2; minus strand). Cytogenetic location: 1q25.3.
Variant type: single nucleotide variant.
Coding change: c.366+3A>T on transcript NM_000433.4 (MANE Select); 3 bases into the intron after coding-DNA position 366, A replaced by T.
Molecular consequence: intron variant.
Genome position (GRCh38, 1-based): chr1:183,577,596, T>A on the plus strand (A>T on the coding strand, the complement: NCF2 is on the minus strand). VCF-style: chr1-183577596-T-A. GRCh37 (hg19) VCF-style: chr1-183546731-T-A.
Other names: c.366+3A>T (NM_001127651.3, NM_001190789.2, NM_001190794.2).
Identifiers: ClinVar variation 651513 (VCV000651513.7), dbSNP rs373508925, ClinGen allele CA1284994.

ClinVar aggregate classification (germline): Uncertain significance. Review status: criteria provided, multiple submitters, no conflicts (2 of 4 stars). 2 submissions from 2 submitters: Uncertain significance (2). Last evaluated 2025-01-29.

Conditions:
Granulomatous disease, chronic, autosomal recessive, cytochrome b-positive, type 2. Also called: GRANULOMATOUS DISEASE, CHRONIC, DUE TO NCF2 DEFICIENCY; Chronic granulomatous disease due to deficiency of NCF-2; Chronic Granulomatous Disease, Autosomal Recessive, Cytochrome b-Positive, Type II; GRANULOMATOUS DISEASE, CHRONIC, AUTOSOMAL RECESSIVE, 2; CGD, AUTOSOMAL RECESSIVE CYTOCHROME b-POSITIVE, TYPE II. Identifiers: Orphanet 379, MedGen C1856245, MONDO:0009310, OMIM 233710.

Allele frequency attached by ClinVar (database versions not stated): TOPMed below 0.00001; gnomAD 0.00001; gnomAD exomes 0.00001 and 0.00003; ExAC 0.00004; ESP Exome Variant Server 0.00008.
gnomAD v4.1: 21 of 1,602,644 alleles (0.0013%); highest among the groups gnomAD compares: Middle Eastern, 0.033%; no homozygotes.

Submissions (2):

Women's Health and Genetics/Laboratory Corporation of America, LabCorp
Classification: Uncertain significance. Last evaluated: 2025-01-29. Review status: criteria provided, single submitter. Criteria: LabCorp Variant Classification Summary - May 2015. Collection method: clinical testing. Allele origin: germline.

Labcorp Genetics (formerly Invitae), Labcorp
Classification: Uncertain significance for Granulomatous disease, chronic, autosomal recessive, cytochrome b-positive, type 2. Last evaluated: 2024-10-28. Review status: criteria provided, single submitter. Criteria: Invitae Variant Classification Sherloc (09022015). Collection method: clinical testing. Allele origin: germline.
Comment: This sequence change falls in intron 3 of the NCF2 gene. It does not directly change the encoded amino acid sequence of the NCF2 protein. It affects a nucleotide within the consensus splice site. This variant is present in population databases (rs373508925, gnomAD 0.006%). This variant has not been reported in the literature in individuals affected with NCF2-related conditions. ClinVar contains an entry for this variant (Variation ID: 651513). Variants that disrupt the consensus splice site are a relatively common cause of aberrant splicing (PMID: 17576681, 9536098). Algorithms developed to predict the effect of sequence changes on RNA splicing suggest that this variant may disrupt the consensus splice site. In summary, the available evidence is currently insufficient to determine the role of this variant in disease. Therefore, it has been classified as a Variant of Uncertain Significance.

Literature cited by the submitters: PubMed 17576681 (cited by Labcorp Genetics (formerly Invitae), Labcorp); PubMed 9536098 (cited by Labcorp Genetics (formerly Invitae), Labcorp).